The following is an entry in ClinVar:

NM_022051.3(EGLN1):c.386C>A (p.Ala129Glu)

Gene: EGLN1 (egl-9 family hypoxia inducible factor 1; minus strand). Cytogenetic location: 1q42.2.
Variant type: single nucleotide variant.
Coding change: c.386C>A on transcript NM_022051.3 (MANE Select); coding-DNA position 386, C replaced by A.
Protein change: p.Ala129Glu; replaces alanine 129 with glutamic acid.
Molecular consequence: missense variant.
Genome position (GRCh38, 1-based): chr1:231,421,503, G>T on the plus strand (C>A on the coding strand, the complement: EGLN1 is on the minus strand). VCF-style: chr1-231421503-G-T. GRCh37 (hg19) VCF-style: chr1-231557249-G-T.
Other names: c.386C>A, p.Ala129Glu (NM_001377260.1, NM_001377261.1); short protein forms A129E.
Identifiers: ClinVar variation 4016841 (VCV004016841.1).

ClinVar aggregate classification (germline): Uncertain significance (1 of 4 stars; one submission).

Submission:

Ambry Genetics
Classification: Uncertain significance. Last evaluated: 2025-03-19. Review status: criteria provided, single submitter. Criteria: Ambry Variant Classification Scheme 2023. Collection method: clinical testing. Allele origin: germline.
Comment: The p.A129E variant (also known as c.386C>A), located in coding exon 1 of the EGLN1 gene, results from a C to A substitution at nucleotide position 386. The alanine at codon 129 is replaced by glutamic acid, an amino acid with dissimilar properties. This amino acid position is conserved. In addition, this alteration is predicted to be tolerated by in silico analysis. Based on the available evidence, the clinical significance of this variant remains unclear.